The following is an entry in ClinVar:

ClinVar aggregate classification (germline): Benign/Likely benign. Review status: criteria provided, multiple submitters, no conflicts (2 of 4 stars). 10 submissions from 10 submitters: Benign (1); Likely benign (5). 4 of the submissions do not count toward it. Last evaluated 2026-08-01.

Conditions:
SCN11A-related disorder. Also called: SCN11A-related condition.
Familial episodic pain syndrome with predominantly lower limb involvement. Also called: Episodic pain syndrome, familial, 3. Identifiers: Orphanet 391384, Orphanet 391392, MedGen C3809899, MONDO:0014247, OMIM 615552.
Hereditary sensory and autonomic neuropathy type 7. Also called: HSAN VII; Neuropathy, hereditary sensory and autonomic, type VII. Identifiers: Orphanet 391397, MedGen C3809882, MONDO:0014244, OMIM 615548.
Inborn genetic diseases. Identifiers: MedGen C0950123, MeSH D030342.
Charcot-Marie-Tooth disease. Also called: Charcot-Marie-Tooth Neuropathy; Charcot-Marie-Tooth Hereditary Neuropathy. Identifiers: Orphanet 166, MedGen C0007959, MONDO:0015626.

Allele frequency attached by ClinVar (database versions not stated): 1000 Genomes Project 30x 0.00016; 1000 Genomes Project 0.00020; gnomAD 0.00036; ESP Exome Variant Server 0.00038; TOPMed 0.00039; gnomAD exomes 0.00054 and 0.00061; ExAC 0.00072.
gnomAD v4.1: 857 of 1,613,998 alleles (0.053%); highest among the groups gnomAD compares: Middle Eastern, 0.12%; no homozygotes.

Submissions (10):

CeGaT Center for Human Genetics Tuebingen
Classification: Benign. Last evaluated: 2026-08-01. Review status: criteria provided, single submitter. Criteria: CeGaT Center For Human Genetics Tuebingen Variant Classification Criteria Version 2. Collection method: clinical testing. Allele origin: germline. Affected: yes. Observed: 7 variant alleles.
Comment: SCN11A: BS1, BS2

Labcorp Genetics (formerly Invitae), Labcorp
Classification: Likely benign for Familial episodic pain syndrome with predominantly lower limb involvement; Hereditary sensory and autonomic neuropathy type 7. Last evaluated: 2025-11-27. Review status: criteria provided, single submitter. Criteria: Invitae Variant Classification Sherloc (09022015). Collection method: clinical testing. Allele origin: germline.

Women's Health and Genetics/Laboratory Corporation of America, LabCorp
Classification: Likely benign. Last evaluated: 2025-07-22. Review status: criteria provided, single submitter. Criteria: LabCorp Variant Classification Summary - May 2015. Collection method: clinical testing. Allele origin: germline.

PreventionGenetics, part of Exact Sciences
Classification: Likely benign for SCN11A-related condition. Last evaluated: 2025-03-12. Review status: criteria provided, single submitter. Criteria: ACMG Guidelines, 2015. Collection method: clinical testing. Allele origin: germline.
Comment: This variant is classified as likely benign based on ACMG/AMP sequence variant interpretation guidelines (Richards et al. 2015 PMID: 25741868, with internal and published modifications).

Blueprint Genetics
Classification: Likely benign. Last evaluated: 2024-10-24. Review status: criteria provided, single submitter. Criteria: ACMG Guidelines, 2015. Collection method: clinical testing. Allele origin: germline.

Ambry Genetics
Classification: Likely benign for Inborn genetic diseases. Last evaluated: 2019-09-29. Review status: criteria provided, single submitter. Criteria: Ambry Variant Classification Scheme 2023. Collection method: clinical testing. Allele origin: germline.

Clinical Genetics, Academic Medical Center
Classification: Uncertain significance. Review status: no assertion criteria provided. Collection method: clinical testing. Allele origin: germline. Affected: yes. Study: VKGL Data-share Consensus. Not counted in ClinVar's aggregate classification.

Department of Pathology and Laboratory Medicine, Sinai Health System
Classification: Uncertain significance. Review status: no assertion criteria provided. Collection method: clinical testing. Allele origin: unknown. Affected: yes. Study: The Canadian Open Genetics Repository (COGR). Not counted in ClinVar's aggregate classification.

Inherited Neuropathy Consortium
Classification: Uncertain significance for Charcot-Marie-Tooth disease. Review status: no assertion criteria provided. Collection method: literature only. Allele origin: germline. Affected: yes. Not counted in ClinVar's aggregate classification.

Joint Genome Diagnostic Labs from Nijmegen and Maastricht, Radboudumc and MUMC+
Classification: Uncertain significance. Review status: no assertion criteria provided. Collection method: clinical testing. Allele origin: germline. Affected: yes. Study: VKGL Data-share Consensus. Not counted in ClinVar's aggregate classification.

Literature cited by the submitters: PubMed 24776970 (cited by Inherited Neuropathy Consortium).

NM_001349253.2(SCN11A):c.1257G>T (p.Lys419Asn)

Gene: SCN11A (sodium voltage-gated channel alpha subunit 11; minus strand). Cytogenetic location: 3p22.2.
Variant type: single nucleotide variant.
Coding change: c.1257G>T on transcript NM_001349253.2 (MANE Select); coding-DNA position 1257, G replaced by T.
Protein change: p.Lys419Asn; replaces lysine 419 with asparagine.
Molecular consequence: missense variant.
Genome position (GRCh38, 1-based): chr3:38,909,039, C>A on the plus strand (G>T on the coding strand, the complement: SCN11A is on the minus strand). VCF-style: chr3-38909039-C-A. GRCh37 (hg19) VCF-style: chr3-38950530-C-A.
Other names: c.1257G>T, p.Lys419Asn (NM_014139.3); short protein forms K419N.
Identifiers: ClinVar variation 637857 (VCV000637857.50), dbSNP rs150269814, ClinGen allele CA2322365.
Genomic context (GRCh38, chr3:38,909,039, plus strand): 5'-CTGACCCCATGTCCCTACCTCCTTTTCCTCCTTTAACAGCTGCTGGGCTTCCTGAAACAT[C>A]TTTTCCTTGGCCTCTATCTCTGCAGCTACATTCTTGTTCTGCTCCTCATATGCCATGGTA-3'
Protein context (NP_001336182.1, residues 409-429): NVAAEIEAKE[Lys419Asn]MFQEAQQLLK